The following continues an entry in ClinVar:

NM_001267550.2(TTN):c.52852C>T (p.Arg17618Cys)

ClinVar aggregate classification (germline): Conflicting classifications of pathogenicity. Uncertain significance (8); Benign (4); Likely benign (10).

Submissions 20 to 28 of 28:

Laboratory for Molecular Medicine, Mass General Brigham Personalized Medicine
Classification: Uncertain significance. Last evaluated: 2015-05-21. Review status: criteria provided, single submitter. Criteria: LMM Criteria. Collection method: clinical testing. Allele origin: germline. Observed: 3 variant alleles.
Comment: Variant classified as Uncertain Significance - Favor Benign. This variant has been identified in 0.2% (146/66698) of European chromosom es by the Exome Aggregation Consortium (ExAC; db SNP rs201213901). Computational prediction tools and conservation analysis sugge st that this variant may impact the protein, though this information is not pred ictive enough to determine pathogenicity. In summary, while the clinical signifi cance of the p.Arg15050Cys variant is uncertain, its frequency in the general po pulation suggests that it is more likely to be benign.

Genetic Services Laboratory, University of Chicago
Classification: Uncertain significance. Last evaluated: 2013-10-08. Review status: criteria provided, single submitter. Criteria: ACMG Guidelines, 2007. Collection method: clinical testing. Allele origin: germline.

Biesecker Lab/Clinical Genomics Section, National Institutes of Health
Classification: Likely benign. Last evaluated: 2013-06-24. Review status: criteria provided, single submitter. Criteria: Ng et al. (Circ Cardiovasc Genet. 2013). Collection method: research. Allele origin: unknown. Observed: 1 variant allele. Study: ClinSeq.
Comment: The study set was not selected for affection status in relation to any cancer. Pathogenicity categories were based on literature curation. See Pubmed ID:23861362 for details.

Medical sequencing

PreventionGenetics, part of Exact Sciences
Classification: Likely benign for TTN-related condition. Last evaluated: 2022-04-03. Review status: no assertion criteria provided. Collection method: clinical testing. Allele origin: germline. Not counted in ClinVar's aggregate classification.
Comment: This variant is classified as likely benign based on ACMG/AMP sequence variant interpretation guidelines (Richards et al. 2015 PMID: 25741868, with internal and published modifications).

Clinical Genetics DNA and cytogenetics Diagnostics Lab, Erasmus MC, Erasmus Medical Center
Classification: Likely benign. Review status: no assertion criteria provided. Collection method: clinical testing. Allele origin: germline. Affected: yes. Study: VKGL Data-share Consensus. Not counted in ClinVar's aggregate classification.

Clinical Genetics, Academic Medical Center
Classification: Benign. Review status: no assertion criteria provided. Collection method: clinical testing. Allele origin: germline. Affected: yes. Study: VKGL Data-share Consensus. Not counted in ClinVar's aggregate classification.

Diagnostic Laboratory, Department of Genetics, University Medical Center Groningen
Classification: Likely benign. Review status: no assertion criteria provided. Collection method: clinical testing. Allele origin: germline. Affected: yes. Study: VKGL Data-share Consensus. Not counted in ClinVar's aggregate classification.

Genome Diagnostics Laboratory, University Medical Center Utrecht
Classification: Likely benign. Review status: no assertion criteria provided. Collection method: clinical testing. Allele origin: germline. Affected: yes. Study: VKGL Data-share Consensus. Not counted in ClinVar's aggregate classification.

Joint Genome Diagnostic Labs from Nijmegen and Maastricht, Radboudumc and MUMC+
Classification: Likely benign. Review status: no assertion criteria provided. Collection method: clinical testing. Allele origin: germline. Affected: yes. Study: VKGL Data-share Consensus. Not counted in ClinVar's aggregate classification.

Literature cited by the submitters: PubMed 35207729 (cited by Athena Diagnostics); PubMed 24459294 (cited by Athena Diagnostics and Ambry Genetics); PubMed 23861362 (cited by Athena Diagnostics and Ambry Genetics); PubMed 23396983 (cited by Athena Diagnostics and Ambry Genetics).